The following is an entry in ClinVar:

NM_004380.3(CREBBP):c.4174C>G (p.Arg1392Gly)

Gene: CREBBP (CREB binding lysine acetyltransferase; minus strand). Cytogenetic location: 16p13.3.
Variant type: single nucleotide variant.
Coding change: c.4174C>G on transcript NM_004380.3 (MANE Select); coding-DNA position 4174, C replaced by G.
Protein change: p.Arg1392Gly; replaces arginine 1392 with glycine.
Molecular consequence: missense variant.
Genome position (GRCh38, 1-based): chr16:3,739,684, G>C on the plus strand (C>G on the coding strand, the complement: CREBBP is on the minus strand). VCF-style: chr16-3739684-G-C. GRCh37 (hg19) VCF-style: chr16-3789685-G-C.
Other names: c.4060C>G, p.Arg1354Gly (NM_001079846.1); short protein forms R1354G, R1392G.
Identifiers: ClinVar variation 4987485 (VCV004987485.1).

ClinVar aggregate classification (germline): Uncertain significance (1 of 4 stars; one submission).

Conditions:
CREBBP-related disorder. Also called: CREBBP-related disorders; CREBBP-related condition.

Submission:

PreventionGenetics, part of Exact Sciences
Classification: Uncertain significance for CREBBP-related condition. Last evaluated: 2026-08-28. Review status: criteria provided, single submitter. Criteria: ACMG Guidelines, 2015. Collection method: clinical testing. Allele origin: germline.
Comment: The CREBBP c.4174C>G variant is predicted to result in the amino acid substitution p.Arg1392Gly. To our knowledge, this variant has not been reported in the literature or in a large population database (gnomAD), indicating this variant is rare. An alternate substitution at the same amino acid (p.Arg1392Leu) has been reported in a patient with a suspected diagnosis of Rubenstein-Taybi syndrome (Cross et al. 2020. PubMed ID: 32827181). At this time, the clinical significance of this variant is uncertain due to the absence of conclusive functional and genetic evidence.